The following is an entry in ClinVar:

ClinVar aggregate classification (germline): Likely pathogenic. Review status: criteria provided, multiple submitters, no conflicts (2 of 4 stars). 3 submissions from 3 submitters: Likely pathogenic (2). 1 of the submissions does not count toward it. Last evaluated 2025-12-25.

Conditions:
Alport syndrome. Also called: Hemorrhagic familial nephritis; Hemorrhagic hereditary nephritis; Congenital hereditary hematuria. Identifiers: Orphanet 63, MedGen C1567741, MONDO:0018965.
Autosomal recessive Alport syndrome (ATS2). Also called: COL4A3-Related Nephropathy; COL4A4 Alport Syndrome and Thin Basement Membrane Nephropathy; ALPORT SYNDROME 2, AUTOSOMAL RECESSIVE; Alport syndrome type 2. Identifiers: Orphanet 63, Orphanet 88919, MedGen C4746745, MONDO:0008762, OMIM 203780.

gnomAD v4.1: 1 of 1,613,716 alleles (0.000062%); highest among the groups gnomAD compares: South Asian, 0.0011%; no homozygotes.

Submissions (3):

Genetics laboratory, Institute of Kidney Diseases & Research Centre Dr. H.L. Trivedi Institute Of Transplantation Sciences
Classification: Likely pathogenic for Autosomal recessive Alport syndrome. Last evaluated: 2025-12-25. Review status: criteria provided, single submitter. Criteria: ACMG Guidelines, 2015. Collection method: clinical testing. Allele origin: germline. Inheritance: Autosomal dominant inheritance. Affected: yes. Observed: 1 variant allele, 1 heterozygote.
Comment: The COL4A4 variant c.1108G>A (p.Gly370Arg) is classified as Likely Pathogenic based on ACMG criteria. The variant results in substitution of a highly conserved glycine residue within the collagenous Gly-X-Y domain, a recognized mutational hotspot in COL4A4-related disorders. Glycine substitutions in this domain are an established disease mechanism associated with hereditary nephropathy.

Victorian Clinical Genetics Services, Murdoch Childrens Research Institute
Classification: Likely pathogenic for Alport syndrome. Last evaluated: 2021-05-06. Review status: criteria provided, single submitter. Criteria: ACMG Guidelines, 2015. Collection method: clinical testing. Allele origin: germline. Inheritance: Autosomal dominant inheritance. Affected: yes.
Comment: Based on the classification scheme VCGS_Germline_v1.3.4, this variant is classified as Likely pathogenic. Following criteria are met: 0103 - Loss-of-function is a known mechanism of disease for this gene and is associated with COL4A4-related nephropathy. Dominant Negative is a suspected mechanism of disease for this gene as it is a structural protein (PMIDs: 12028435; 24046192). (I) 0108 - This gene is associated with both recessive and dominant disease. Alport syndrome typically has biallelic inheritance, although rare cases of monoallelic inheritance have been reported (PMID: 28704582). TBMN and focal segmental glomerulosclerosis (FSGS) are associated with autosomal dominant inhertitance (OMIM, PMID: 16467446; 17942953). (I) 0200 - Variant is predicted to result in a missense amino acid change from glycine to arginine. (I) 0251 - This variant is heterozygous. (I) 0301 - Variant is absent from gnomAD (both v2 and v3). (SP) 0309 - An alternative amino acid change at the same position (p.Gly370Glu) has been observed in gnomAD (v2) (1 heterozygote, 0 homozygotes). (I) 0501 - Missense variant consistently predicted to be damaging by multiple in silico tools or highly conserved with a major amino acid change. (SP) 0601 - Variant is located in the well-established functional triple helical region and affects the glycine of the G-X-Y repeats (PDB). (SP) 0710 - Another missense variant comparable to the one identified in this case has inconclusive previous evidence for pathogenicity. Missense variant (p.Gly370Glu)) has been reported in a compound heterozygous state in a patient with recessive Alport syndrome (MIM#203780) (PMID: 29854973). The same variant has also been reported in a dominant family was concluded to be unble to cause disease on its own (PMID: 24033287, 30808327). (I) 0807 - This variant has no previous evidence of pathogenicity. (I) 0905 - No published segregation evidence has been identified for this variant. (I) 1007 - No published functional evidence has been identified for this variant. (I) Legend: (SP) - Supporting pathogenic, (I) - Information, (SB) - Supporting benign

Gharavi Laboratory, Columbia University
Classification: Likely pathogenic. Last evaluated: 2018-09-16. Review status: no assertion criteria provided. Criteria: ACMG Guidelines, 2015. Collection method: research. Allele origin: germline. Affected: yes. Not counted in ClinVar's aggregate classification.

Literature cited by the submitters: PubMed 12028435 (cited by Victorian Clinical Genetics Services, Murdoch Childrens Research Institute); PubMed 16467446 (cited by Victorian Clinical Genetics Services, Murdoch Childrens Research Institute); PubMed 17942953 (cited by Victorian Clinical Genetics Services, Murdoch Childrens Research Institute); PubMed 24033287 (cited by Victorian Clinical Genetics Services, Murdoch Childrens Research Institute); PubMed 24046192 (cited by Victorian Clinical Genetics Services, Murdoch Childrens Research Institute); PubMed 28704582 (cited by Victorian Clinical Genetics Services, Murdoch Childrens Research Institute); PubMed 29854973 (cited by Victorian Clinical Genetics Services, Murdoch Childrens Research Institute); PubMed 30808327 (cited by Victorian Clinical Genetics Services, Murdoch Childrens Research Institute).

NM_000092.5(COL4A4):c.1108G>A (p.Gly370Arg)

Gene: COL4A4 (collagen type IV alpha 4 chain; minus strand). Cytogenetic location: 2q36.3.
Variant type: single nucleotide variant.
Coding change: c.1108G>A on transcript NM_000092.5 (MANE Select); coding-DNA position 1108, G replaced by A.
Protein change: p.Gly370Arg; replaces glycine 370 with arginine.
Molecular consequence: missense variant.
Genome position (GRCh38, 1-based): chr2:227,098,790, C>T on the plus strand (G>A on the coding strand, the complement: COL4A4 is on the minus strand). VCF-style: chr2-227098790-C-T. GRCh37 (hg19) VCF-style: chr2-227963506-C-T.
Other names: short protein forms G370R.
Identifiers: ClinVar variation 562328 (VCV000562328.6), dbSNP rs1559617617, ClinGen allele CA350854336.
Genomic context (GRCh38, chr2:227,098,790, plus strand): 5'-GGGGACCAGGTGGTCCAACATCCCCTGTTTCTCCATAGCGGCCAGGGAACCCTGGGTCCC[C>T]TGGTGGGCCTGCCAAAGATAATGGTACATGAGAATAAACAAATGGTATGTGCATTTTAAA-3'
Protein context (NP_000083.3, residues 360-380): TPPLPLKGPP[Gly370Arg]DPGFPGRYGE